The following is an entry in ClinVar:

NM_001270.4(CHD1):c.4289A>G (p.Gln1430Arg)

Gene: CHD1 (chromodomain helicase DNA binding protein 1; minus strand). Cytogenetic location: 5q15.
Variant type: single nucleotide variant.
Coding change: c.4289A>G on transcript NM_001270.4 (MANE Select); coding-DNA position 4289, A replaced by G.
Protein change: p.Gln1430Arg; replaces glutamine 1430 with arginine.
Molecular consequence: missense variant. On other transcripts: non-coding transcript variant (1).
Genome position (GRCh38, 1-based): chr5:98,863,546, T>C on the plus strand (A>G on the coding strand, the complement: CHD1 is on the minus strand). VCF-style: chr5-98863546-T-C. GRCh37 (hg19) VCF-style: chr5-98199250-T-C.
Other names: c.4553A>G, p.Gln1518Arg (NM_001364113.3); c.4289A>G, p.Gln1430Arg (NM_001376194.2); short protein forms Q1430R, Q1518R.
Identifiers: ClinVar variation 1189673 (VCV001189673.2), dbSNP rs2112465323, ClinGen allele CA360519517.

ClinVar aggregate classification (germline): Uncertain significance (1 of 4 stars; one submission).

Submission:

GeneDx
Classification: Uncertain significance. Last evaluated: 2019-08-13. Review status: criteria provided, single submitter. Criteria: GeneDx Variant Classification Process June 2021. Collection method: clinical testing. Allele origin: germline. Affected: yes.
Comment: Not observed in large population cohorts (Lek et al., 2016); In silico analysis, which includes protein predictors and evolutionary conservation, supports that this variant does not alter protein structure/function; Has not been previously published as pathogenic or benign to our knowledge